The following is an entry in ClinVar:

ClinVar aggregate classification (germline): Conflicting classifications of pathogenicity. Review status: criteria provided, conflicting classifications (1 of 4 stars). 6 submissions from 6 submitters: Likely pathogenic (5); Uncertain significance (1). Last evaluated 2024-08-27.

Conditions:
X-linked lymphoproliferative disease due to XIAP deficiency. Also called: XIAP-Related Lymphoproliferative Disease, X-Linked; XIAP DEFICIENCY. Identifiers: Orphanet 2442, Orphanet 538934, MedGen C1845076, MONDO:0010385, OMIM 300635.

Submissions (6):

3billion
Classification: Likely pathogenic for X-linked lymphoproliferative disease due to XIAP deficiency. Last evaluated: 2024-08-27. Review status: criteria provided, single submitter. Criteria: ACMG Guidelines, 2015. Collection method: clinical testing. Allele origin: germline. Affected: yes.
Comment: The variant is not observed in the gnomAD v4.0.0 dataset. Predicted Consequence/Location: The majority of the known disease-causing variants of this gene are variants expected to result in premature termination of the protein. In silico tool predictions suggest damaging effect of the variant on gene or gene product [REVEL: 0.98 (>=0.6, sensitivity 0.68 and specificity 0.92); 3Cnet: 0.97 (>=0.6, sensitivity 0.72 and precision 0.9)]. The same nucleotide change resulting in the same amino acid change has been previously reported as pathogenic/likely pathogenic with strong evidence (ClinVar ID: VCV000664245 /PMID: 24616127). A different missense change at the same codon (p.Gly188Glu) has been reported to be associated with XIAP related disorder (PMID: 19398375). Therefore, this variant is classified as Likely pathogenic according to the recommendation of ACMG/AMP guideline.

Labcorp Genetics (formerly Invitae), Labcorp
Classification: Uncertain significance for X-linked lymphoproliferative disease due to XIAP deficiency. Last evaluated: 2023-10-03. Review status: criteria provided, single submitter. Criteria: Invitae Variant Classification Sherloc (09022015). Collection method: clinical testing. Allele origin: germline.
Comment: This sequence change replaces glycine with arginine at codon 188 of the XIAP protein (p.Gly188Arg). The glycine residue is highly conserved and there is a moderate physicochemical difference between glycine and arginine. This variant is not present in population databases (gnomAD no frequency). This missense change has been observed in individual(s) with suspected XIAP deficiency and/or very early onset inflammatory bowel disease (PMID: 24616127, 30755392). ClinVar contains an entry for this variant (Variation ID: 664245). Advanced modeling of protein sequence and biophysical properties (such as structural, functional, and spatial information, amino acid conservation, physicochemical variation, residue mobility, and thermodynamic stability) performed at Invitae indicates that this missense variant is expected to disrupt XIAP protein function. Experimental studies have shown that this missense change affects XIAP function (PMID: 27317434). In summary, the available evidence is currently insufficient to determine the role of this variant in disease. Therefore, it has been classified as a Variant of Uncertain Significance.

GeneDx
Classification: Likely pathogenic. Last evaluated: 2023-06-28. Review status: criteria provided, single submitter. Criteria: GeneDx Variant Classification Process June 2021. Collection method: clinical testing. Allele origin: germline. Affected: yes.
Comment: Identified in patients with suspected XIAP deficiency in published literature (Gifford et al., 2014); In silico analysis supports that this missense variant has a deleterious effect on protein structure/function; Not observed at significant frequency in large population cohorts (gnomAD); This variant is associated with the following publications: (PMID: 24616127, 30755392, 23818254, 19398375)

Mayo Clinic Laboratories, Mayo Clinic
Classification: Likely pathogenic. Last evaluated: 2023-02-08. Review status: criteria provided, single submitter. Criteria: ACMG Guidelines, 2015. Collection method: clinical testing. Allele origin: germline. Observed: 1 variant allele.
Comment: PP3, PM1, PM2_supporting, PM5, PS4_moderate

Center for Personalized Medicine, Children's Hospital Los Angeles
Classification: Likely pathogenic. Last evaluated: 2022-12-21. Review status: criteria provided, single submitter. Criteria: ACMG Guidelines, 2015. Collection method: clinical testing. Allele origin: inherited. Affected: yes.

Laboratorio de Genetica e Diagnostico Molecular, Hospital Israelita Albert Einstein
Classification: Likely pathogenic for X-linked lymphoproliferative disease due to XIAP deficiency. Last evaluated: 2022-03-16. Review status: criteria provided, single submitter. Criteria: ACMG Guidelines, 2015. Collection method: clinical testing. Allele origin: germline. Affected: yes. Observed: 1 variant allele.
Comment: ACMG classification criteria: PS3 supporting, PS4 supporting, PM2 moderated, PM5 moderated, PP3 supporting

Literature cited by the submitters: PubMed 19398375 (cited by 3billion); PubMed 24616127 (cited by 3 submitters); PubMed 30755392 (cited by Labcorp Genetics (formerly Invitae), Labcorp and Mayo Clinic Laboratories, Mayo Clinic); PubMed 27317434 (cited by Labcorp Genetics (formerly Invitae), Labcorp and Mayo Clinic Laboratories, Mayo Clinic); PubMed 23818254 (cited by Mayo Clinic Laboratories, Mayo Clinic).

NM_001167.4(XIAP):c.562G>A (p.Gly188Arg)

Gene: XIAP (X-linked inhibitor of apoptosis; plus strand). Cytogenetic location: Xq25.
Variant type: single nucleotide variant.
Coding change: c.562G>A on transcript NM_001167.4 (MANE Select); coding-DNA position 562, G replaced by A.
Protein change: p.Gly188Arg; replaces glycine 188 with arginine.
Molecular consequence: missense variant.
Genome position (GRCh38, 1-based): chrX:123,886,224, G>A. VCF-style: chrX-123886224-G-A. GRCh37 (hg19) VCF-style: chrX-123020074-G-A.
Other names: p.Gly188Arg; c.562G>A, p.Gly188Arg (NM_001204401.2, NM_001378590.1, NM_001378591.1 and 1 more transcripts); short protein forms G188R.
Identifiers: ClinVar variation 664245 (VCV000664245.13), dbSNP rs1602544454, ClinGen allele CA414123950.